The following is an entry in ClinVar:

ClinVar aggregate classification (germline): Uncertain significance. Review status: criteria provided, multiple submitters, no conflicts (2 of 4 stars). 4 submissions from 4 submitters: Uncertain significance (3). 1 of the submissions does not count toward it. Last evaluated 2025-09-22.

Conditions:
Inborn genetic diseases. Identifiers: MedGen C0950123, MeSH D030342.
Cohen syndrome (COH1). Also called: PEPPER SYNDROME; Cutis verticis gyrata, retinitis pigmentosa, and sensorineural deafness. Identifiers: Orphanet 193, MedGen C0265223, MONDO:0008999, OMIM 216550.
VPS13B-related disorder. Also called: VPS13B-related condition.

Allele frequency attached by ClinVar (database versions not stated): gnomAD 0.00002 and 0.00004; TOPMed 0.00002; gnomAD exomes 0.00004 and 0.00011; ExAC 0.00014; 1000 Genomes Project 0.00020; 1000 Genomes Project 30x 0.00031.
gnomAD v4.1: 65 of 1,613,880 alleles (0.004%); highest among the groups gnomAD compares: South Asian, 0.059%; no homozygotes.

Submissions (4):

PreventionGenetics, part of Exact Sciences
Classification: Uncertain significance for VPS13B-related condition. Last evaluated: 2025-09-22. Review status: criteria provided, single submitter. Criteria: ACMG Guidelines, 2015. Collection method: clinical testing. Allele origin: germline.
Comment: The VPS13B c.3332C>T variant is predicted to result in the amino acid substitution p.Pro1111Leu. To our knowledge, this variant has not been reported in the literature. This variant is reported in 0.082% of alleles in individuals of South Asian descent in gnomAD. Although we suspect that this variant may be benign, at this time, the clinical significance of this variant is uncertain due to the absence of conclusive functional and genetic evidence.

Labcorp Genetics (formerly Invitae), Labcorp
Classification: Uncertain significance for Cohen syndrome. Last evaluated: 2024-09-27. Review status: criteria provided, single submitter. Criteria: Invitae Variant Classification Sherloc (09022015). Collection method: clinical testing. Allele origin: germline.
Comment: This sequence change replaces proline, which is neutral and non-polar, with leucine, which is neutral and non-polar, at codon 1111 of the VPS13B protein (p.Pro1111Leu). This variant is present in population databases (rs576973103, gnomAD 0.08%). This variant has not been reported in the literature in individuals affected with VPS13B-related conditions. ClinVar contains an entry for this variant (Variation ID: 967612). Invitae Evidence Modeling of protein sequence and biophysical properties (such as structural, functional, and spatial information, amino acid conservation, physicochemical variation, residue mobility, and thermodynamic stability) indicates that this missense variant is expected to disrupt VPS13B protein function with a positive predictive value of 80%. In summary, the available evidence is currently insufficient to determine the role of this variant in disease. Therefore, it has been classified as a Variant of Uncertain Significance.

Ambry Genetics
Classification: Uncertain significance for Inborn genetic diseases. Last evaluated: 2018-01-31. Review status: criteria provided, single submitter. Criteria: Ambry Variant Classification Scheme 2023. Collection method: clinical testing. Allele origin: germline.
Comment: The p.P1111L variant (also known as c.3332C>T), located in coding exon 22 of the VPS13B gene, results from a C to T substitution at nucleotide position 3332. The proline at codon 1111 is replaced by leucine, an amino acid with similar properties. This amino acid position is highly conserved in available vertebrate species. In addition, the in silico prediction for this alteration is inconclusive. Since supporting evidence is limited at this time, the clinical significance of this alteration remains unclear.

Natera, Inc.
Classification: Uncertain significance for Cohen syndrome. Last evaluated: 2020-02-21. Review status: no assertion criteria provided. Collection method: clinical testing. Allele origin: germline. Not counted in ClinVar's aggregate classification.

NM_152564.5(VPS13B):c.3332C>T (p.Pro1111Leu)

Gene: VPS13B (vacuolar protein sorting 13 homolog B; plus strand). Cytogenetic location: 8q22.2.
Variant type: single nucleotide variant.
Coding change: c.3332C>T on transcript NM_152564.5 (MANE Select); coding-DNA position 3332, C replaced by T.
Protein change: p.Pro1111Leu; replaces proline 1111 with leucine.
Molecular consequence: missense variant.
Genome position (GRCh38, 1-based): chr8:99,442,522, C>T. VCF-style: chr8-99442522-C-T. GRCh37 (hg19) VCF-style: chr8-100454750-C-T.
Other names: c.3332C>T (NM_152564.4, NM_017890.3); c.3332C>T, p.Pro1111Leu (NM_017890.5); short protein forms P1111L.
Identifiers: ClinVar variation 967612 (VCV000967612.11), dbSNP rs576973103, ClinGen allele CA4823228.